The following is an entry in ClinVar:

ClinVar aggregate classification (germline): Uncertain significance (1 of 4 stars; one submission).

Submission:

GeneDx
Classification: Uncertain significance. Last evaluated: 2024-01-26. Review status: criteria provided, single submitter. Criteria: GeneDx Variant Classification Process June 2021. Collection method: clinical testing. Allele origin: germline. Affected: yes.
Comment: Not observed at significant frequency in large population cohorts (gnomAD); In silico analysis supports that this missense variant has a deleterious effect on protein structure/function; Has not been previously published as pathogenic or benign to our knowledge

NM_001330288.2(SMARCC2):c.18G>T (p.Lys6Asn)

Gene: SMARCC2 (SWI/SNF related BAF chromatin remodeling complex subunit C2; minus strand). Cytogenetic location: 12q13.2.
Variant type: single nucleotide variant.
Coding change: c.18G>T on transcript NM_001330288.2 (MANE Select); coding-DNA position 18, G replaced by T.
Protein change: p.Lys6Asn; replaces lysine 6 with asparagine.
Molecular consequence: missense variant.
Genome position (GRCh38, 1-based): chr12:56,189,444, C>A on the plus strand (G>T on the coding strand, the complement: SMARCC2 is on the minus strand). VCF-style: chr12-56189444-C-A. GRCh37 (hg19) VCF-style: chr12-56583228-C-A.
Other names: c.18G>T, p.Lys6Asn (NM_001130420.3, NM_003075.5, NM_139067.4); short protein forms K6N.
Identifiers: ClinVar variation 3368456 (VCV003368456.1).
Genomic context (GRCh38, chr12:56,189,444, plus strand): 5'-GTTGTCGAACTGGGTCACGGTGTCCGCGGCCTCGTAGTACTTCACGTTGGGGCCGCCGTC[C>A]TTCTTCCGCACCGCCATCTTCTCCGGCTCGGGCCCCGCCGCCGCCCGCCCCACTCAGCTC-3'
Protein context (NP_001317217.1, residues 1-16): MAVRK[Lys6Asn]DGGPNVKYYE